The following is an entry in ClinVar:

ClinVar aggregate classification (germline): Benign (1 of 4 stars; one submission).

Conditions:
Von Hippel-Lindau syndrome (VHLS). Also called: Von Hippel-Lindau; von Hippel–Lindau syndrome; VHL syndrome. Identifiers: Orphanet 892, MedGen C0019562, MONDO:0008667, OMIM 193300. Disease mechanism: loss of function.

Allele frequency attached by ClinVar (database versions not stated): gnomAD exomes 0.00086; gnomAD 0.00520 and 0.00560; TOPMed 0.00572; 1000 Genomes Project 0.00679; 1000 Genomes Project 30x 0.00796.
gnomAD v4.1: 850 of 210,978 alleles (0.4%); highest among the groups gnomAD compares: African/African-American, 1.8%; 6 homozygotes.

Submission:

Illumina Laboratory Services, Illumina
Classification: Benign for Von Hippel-Lindau syndrome. Last evaluated: 2018-01-13. Review status: criteria provided, single submitter. Criteria: ICSL Variant Classification Criteria 13 December 2019. Collection method: clinical testing. Allele origin: germline.
Comment: This variant was observed in the ICSL laboratory as part of a predisposition screen in an ostensibly healthy population. It had not been previously curated by ICSL or reported in the Human Gene Mutation Database (HGMD: prior to June 1st, 2018), and was therefore a candidate for classification through an automated scoring system. Utilizing variant allele frequency, disease prevalence and penetrance estimates, and inheritance mode, an automated score was calculated to assess if this variant is too frequent to cause the disease. Based on the score and internal cut-off values, a variant classified as benign is not then subjected to further curation. The score for this variant resulted in a classification of benign for this disease.

NM_000551.4(VHL):c.*1328C>A

Genes: VHL (von Hippel-Lindau tumor suppressor; plus strand), LOC107303340 (3p25 von Hippel-Lindau tumor suppressor, E3 ubiquitin protein ligase Alu-mediated recombination region; plus strand). Cytogenetic location: 3p25.3.
Variant type: single nucleotide variant.
Coding change: c.*1328C>A on transcript NM_000551.4 (MANE Select); 1328 bases downstream of the stop codon, C replaced by A.
Molecular consequence: 3 prime UTR variant.
Genome position (GRCh38, 1-based): chr3:10,151,293, C>A. VCF-style: chr3-10151293-C-A. GRCh37 (hg19) VCF-style: chr3-10192977-C-A.
Other names: c.*1524C>A (NM_001354723.2); c.*1328C>A (NM_198156.3).
Identifiers: ClinVar variation 342431 (VCV000342431.5), dbSNP rs78562649, ClinGen allele CA10616675.